The following is an entry in ClinVar:

NM_019109.5(ALG1):c.773C>T (p.Ser258Leu)

Gene: ALG1 (ALG1 chitobiosyldiphosphodolichol beta-mannosyltransferase; plus strand). Cytogenetic location: 16p13.3.
Variant type: single nucleotide variant.
Coding change: c.773C>T on transcript NM_019109.5 (MANE Select); coding-DNA position 773, C replaced by T.
Protein change: p.Ser258Leu; replaces serine 258 with leucine.
Molecular consequence: missense variant.
Genome position (GRCh38, 1-based): chr16:5,078,789, C>T. VCF-style: chr16-5078789-C-T. GRCh37 (hg19) VCF-style: chr16-5128790-C-T.
Other names: S258L; c.440C>T, p.Ser147Leu (NM_001330504.2); short protein forms S147L.
Identifiers: ClinVar variation 4724 (VCV000004724.50), dbSNP rs28939378, ClinGen allele CA223556.

ClinVar aggregate classification (germline): Pathogenic/Likely pathogenic. Review status: criteria provided, multiple submitters, no conflicts (2 of 4 stars). 22 submissions from 21 submitters: Pathogenic (16); Likely pathogenic (3). 3 of the submissions do not count toward it. Last evaluated 2026-05-29.

Conditions:
ALG1-related disorder. Also called: ALG1-related condition.
Inborn genetic diseases. Identifiers: MedGen C0950123, MeSH D030342.
Congenital disorder of glycosylation (CDG). Also called: Congenital disorders of glycosylation; Carbohydrate-deficient glycoprotein syndrome. Identifiers: Orphanet 137, MedGen C0282577, MONDO:0015286.
Finnish congenital nephrotic syndrome (NPHS1). Also called: NEPHROTIC SYNDROME, TYPE 1. Identifiers: Orphanet 839, MedGen C0403399, MONDO:0009732, OMIM 256300.
ALG1-congenital disorder of glycosylation. Also called: CDG Ik; ALG1-CDG; CONGENITAL DISORDER OF GLYCOSYLATION, TYPE Ik. Identifiers: Orphanet 79327, MedGen C2931005, MONDO:0012052, OMIM 608540.
ALG12-congenital disorder of glycosylation (CDG1G). Also called: CDG Ig; ALG12-CDG; Congenital disorder of glycosylation, type Ig. Identifiers: Orphanet 79324, MedGen C2931001, MONDO:0011783, OMIM 607143.
Encephalopathy. Also called: Unspecified encephalopathy. Identifiers: MedGen C0085584, HP:0001298.

Allele frequency attached by ClinVar (database versions not stated): gnomAD 0.00033 and 0.00036; TOPMed 0.00035; ExAC 0.00029; gnomAD exomes 0.00030 and 0.00064.
gnomAD v4.1: 974 of 1,612,744 alleles (0.06%); highest among the groups gnomAD compares: Non-Finnish European, 0.079%; no homozygotes.

Submissions 1 to 7 of 22:

Victorian Clinical Genetics Services, Murdoch Childrens Research Institute
Classification: Pathogenic for ALG1-congenital disorder of glycosylation. Last evaluated: 2026-05-29. Review status: criteria provided, single submitter. Criteria: ACMG Guidelines, 2015. Collection method: clinical testing. Allele origin: germline. Affected: no.
Comment: This variant is classified as Pathogenic. Evidence in support of pathogenic classification: Variant is present in gnomAD <0.01 for a recessive condition (v4: 974 heterozygote(s), 0 homozygote(s)); This variant has strong previous evidence of pathogenicity in unrelated individuals. This variant has been classified as pathogenic and likely pathogenic in ClinVar. It has also been reported in the literature in homozygous or compound heterozygous individuals with type I congenital disorder of glycosylation (PMID: 26931382). Additional information: Variant is predicted to result in a missense amino acid change from Ser to Leu; This variant is heterozygous; This gene is associated with autosomal recessive disease; Loss of function is a known mechanism of disease in this gene and is associated with type Ik congenital disorder of glycosylation (MIM#608540).

Labcorp Genetics (formerly Invitae), Labcorp
Classification: Pathogenic for ALG1-congenital disorder of glycosylation. Last evaluated: 2026-01-26. Review status: criteria provided, single submitter. Criteria: Invitae Variant Classification Sherloc (09022015). Collection method: clinical testing. Allele origin: germline.
Comment: This sequence change replaces serine, which is neutral and polar, with leucine, which is neutral and non-polar, at codon 258 of the ALG1 protein (p.Ser258Leu). This variant is present in population databases (rs28939378, gnomAD 0.05%). This missense change has been observed in individuals with congenital disorder of glycosylation (PMID: 14709599, 14973778, 14973782, 20679665, 22966035, 26931382, 27172925, 27325525, 28554332). ClinVar contains an entry for this variant (Variation ID: 4724). Invitae Evidence Modeling of protein sequence and biophysical properties (such as structural, functional, and spatial information, amino acid conservation, physicochemical variation, residue mobility, and thermodynamic stability) indicates that this missense variant is not expected to disrupt ALG1 protein function with a negative predictive value of 80%. Experimental studies have shown that this missense change affects ALG1 function (PMID: 14973778, 22966035, 26931382). For these reasons, this variant has been classified as Pathogenic.

PreventionGenetics, part of Exact Sciences
Classification: Pathogenic for ALG1-related condition. Last evaluated: 2025-09-05. Review status: criteria provided, single submitter. Criteria: ACMG Guidelines, 2015. Collection method: clinical testing. Allele origin: germline.
Comment: The ALG1 c.773C>T variant is predicted to result in the amino acid substitution p.Ser258Leu. This variant has been reported in the compound heterozygous and homozygous state in many individuals with congenital disorder of glycosylation (Grubenmann et al. 2004. PubMed ID: 14709599; Dupre et al. 2010. PubMed ID: 20679665; Harshman et al. 2016. PubMed ID: 27325525; Ng et al. 2016. PubMed ID: 26931382; Bowling et al. 2017. PubMed ID: 28554332). Experimental studies using yeast assays indicate that this variant impairs growth complementation (Grubenmann et al. 2004. PubMed ID: 14709599; Ng et al. 2016. PubMed ID: 26931382). This variant is reported in 0.053% of alleles in individuals of European (Non-Finnish) descent in gnomAD. This variant is interpreted as pathogenic.

Ambry Genetics
Classification: Pathogenic for Inborn genetic diseases. Last evaluated: 2025-05-28. Review status: criteria provided, single submitter. Criteria: Ambry Variant Classification Scheme 2023. Collection method: clinical testing. Allele origin: germline.
Comment: The c.773C>T (p.S258L) alteration is located in exon 7 (coding exon 7) of the ALG1 gene. This alteration results from a C to T substitution at nucleotide position 773, causing the serine (S) at amino acid position 258 to be replaced by a leucine (L). Based on data from gnomAD, the T allele has an overall frequency of 0.03% (87/281390) total alleles studied. The highest observed frequency was 0.05% (68/128302) of European (non-Finnish) alleles. This alteration was detected in the homozygous state and in conjunction with another alteration in ALG1 in multiple individuals with ALG1-related congenital disorder of glycosylation (Grubenmann, 2004; Kranz, 2004; Schwarz, 2004; Dupre, 2010; Morava, 2012; Barba, 2016; Ng, 2016; Han, 2020). This amino acid position is well conserved in available vertebrate species. Functional assays in yeast and patient-derived fibroblasts show <10% enzymatic activity in the biosynthesis of lipid-linked oligosaccharides (Kranz, 2004; Schwarz, 2004; Grubenmann, 2004; Dupre, 2010). The in silico prediction for this alteration is inconclusive. Based on the available evidence, this alteration is classified as pathogenic.

Blueprint Genetics
Classification: Pathogenic for ALG1-related disorders. Last evaluated: 2024-09-24. Review status: criteria provided, single submitter. Criteria: ACMG Guidelines, 2015. Collection method: clinical testing. Allele origin: germline. Affected: yes. Observed: 5 variant alleles.

ARUP Laboratories, Molecular Genetics and Genomics, ARUP Laboratories
Classification: Pathogenic for ALG1-congenital disorder of glycosylation. Last evaluated: 2023-10-17. Review status: criteria provided, single submitter. Criteria: ARUP Molecular Germline Variant Investigation Process 2024. Collection method: clinical testing. Allele origin: germline.
Comment: The ALG1 c.773C>T; p.Ser258Leu variant (rs28939378) is reported in the literature in the compound heterozygous or homozygous state in individuals affected with congenital disorders of glycosylation (Barba 2016, Bell 2011, Bowling 2017, Grubenmann 2004, Han 2020, Harshman 2016, Kranz 2004, Lipinski 2021, Ng 2016, Schwarz 2004). Functional analyses demonstrate reduced enzyme function (Grubenmann 2004, Kranz 2004, Ng 2016, Schwarz 2004). This variant is also reported in ClinVar (Variation ID: 4724), and is found in the general population with an overall allele frequency of 0.031% (87/281390 alleles) in the Genome Aggregation Database. Computational analyses are uncertain whether this variant is neutral or deleterious (REVEL: 0.615). Based on available information, this variant is considered to be pathogenic. References: Barba C et al. Congenital disorders of glycosylation presenting as epileptic encephalopathy with migrating partial seizures in infancy. Dev Med Child Neurol. 2016 Oct;58(10):1085-91. PMID: 27172925. Bell CJ et al. Carrier testing for severe childhood recessive diseases by next-generation sequencing. Sci Transl Med. 2011 Jan 12;3(65):65ra4. PMID: 21228398. Bowling KM et al. Genomic diagnosis for children with intellectual disability and/or developmental delay. Genome Med. 2017 May 30;9(1):43. PMID: 28554332. Grubenmann CE et al. Deficiency of the first mannosylation step in the N-glycosylation pathway causes congenital disorder of glycosylation type Ik. Hum Mol Genet. 2004 Mar 1;13(5):535-42. PMID: 14709599. Han J et al. Rapid prenatal diagnosis of skeletal dysplasia using medical trio exome sequencing: Benefit for prenatal counseling and pregnancy management. Prenat Diagn. 2020 Apr;40(5):577-584. PMID: 31994750. Harshman LA et al. Congenital nephrotic syndrome in an infant with ALG1-congenital disorder of glycosylation. Pediatr Int. 2016 Aug;58(8):785-8. PMID: 27325525. Kranz C et al. Congenital disorder of glycosylation type Ik (CDG-Ik): a defect of mannosyltransferase I. Am J Hum Genet. 2004 Mar;74(3):545-51. PMID: 14973782. Lipinski P et al. Congenital disorders of glycosylation: Prevalence, incidence and mutational spectrum in the Polish population. Mol Genet Metab Rep. 2021 Feb 11;27:100726. PMID: 33643843. Ng BG et al. ALG1-CDG: Clinical and Molecular Characterization of 39 Unreported Patients. Hum Mutat. 2016 Jul;37(7):653-60. PMID: 26931382. Schwarz M et al. Deficiency of GDP-Man:GlcNAc2-PP-dolichol mannosyltransferase causes congenital disorder of glycosylation type Ik. Am J Hum Genet. 2004 Mar;74(3):472-81. PMID: 14973778.

3billion
Classification: Likely pathogenic for ALG1-congenital disorder of glycosylation. Last evaluated: 2022-09-01. Review status: criteria provided, single submitter. Criteria: ACMG Guidelines, 2015. Collection method: clinical testing. Allele origin: germline. Affected: yes. Observed: 1 heterozygote.
Comment: The variant is observed at an extremely low frequency in the gnomAD v2.1.1 dataset (total allele frequency: 0.031%). The variant is in trans with NM_019109.5:c.826C>T. In silico tool predictions suggest damaging effect of the variant on gene or gene product (REVEL: 0.61; 3Cnet: 0.25). Same nucleotide change resulting in same amino acid change has been previously reported as pathogenic/likely pathogenic with strong evidence (ClinVar ID: VCV000004724). Therefore, this variant is classified as Likely pathogenic according to the recommendation of ACMG/AMP guideline.